The following is an entry in ClinVar:

NM_170707.4(LMNA):c.1321G>C (p.Ala441Pro)

Gene: LMNA (lamin A/C; plus strand). Cytogenetic location: 1q22.
Variant type: single nucleotide variant.
Coding change: c.1321G>C on transcript NM_170707.4 (MANE Select); coding-DNA position 1321, G replaced by C.
Protein change: p.Ala441Pro; replaces alanine 441 with proline.
Molecular consequence: missense variant.
Genome position (GRCh38, 1-based): chr1:156,136,377, G>C. VCF-style: chr1-156136377-G-C. GRCh37 (hg19) VCF-style: chr1-156106168-G-C.
Other names: c.1321G>C, p.Ala441Pro (NM_005572.4, NM_170708.4, NM_001282625.2 and 6 more transcripts); c.985G>C, p.Ala329Pro (NM_001257374.3, NM_001406989.1, NM_001406998.1); c.1078G>C, p.Ala360Pro (NM_001282624.2, NM_001406986.1, NM_001406987.1); c.1024G>C, p.Ala342Pro (NM_001406988.1); c.763G>C, p.Ala255Pro (NM_001406990.1, NM_001406993.1, NM_001406995.1 and 4 more transcripts); c.697G>C, p.Ala233Pro (NM_001406994.1, NM_001406999.1, NM_001407000.1 and 1 more transcripts); short protein forms A233P, A255P, A329P, A342P, A360P, A441P.
Identifiers: ClinVar variation 4799966 (VCV004799966.1).

ClinVar aggregate classification (germline): Uncertain significance (1 of 4 stars; one submission).

Conditions:
Charcot-Marie-Tooth disease type 2. Also called: Charcot-Marie-Tooth type 2. Identifiers: Orphanet 64746, MedGen C0270914, MONDO:0018993.

Submission:

Labcorp Genetics (formerly Invitae), Labcorp
Classification: Uncertain significance for Charcot-Marie-Tooth disease type 2. Last evaluated: 2025-08-17. Review status: criteria provided, single submitter. Criteria: Invitae Variant Classification Sherloc (09022015). Collection method: clinical testing. Allele origin: germline.
Comment: This sequence change replaces alanine, which is neutral and non-polar, with proline, which is neutral and non-polar, at codon 441 of the LMNA protein (p.Ala441Pro). This variant is not present in population databases (gnomAD no frequency). This variant has not been reported in the literature in individuals affected with LMNA-related conditions. Invitae Evidence Modeling of protein sequence and biophysical properties (such as structural, functional, and spatial information, amino acid conservation, physicochemical variation, residue mobility, and thermodynamic stability) indicates that this missense variant is expected to disrupt LMNA protein function with a positive predictive value of 95%. In summary, the available evidence is currently insufficient to determine the role of this variant in disease. Therefore, it has been classified as a Variant of Uncertain Significance.